The following is an entry in ClinVar:

ClinVar aggregate classification (germline): Uncertain significance. Review status: criteria provided, multiple submitters, no conflicts (2 of 4 stars). 2 submissions from 2 submitters: Uncertain significance (2). Last evaluated 2025-03-08.

Conditions:
Hereditary cancer-predisposing syndrome. Also called: Neoplastic Syndromes, Hereditary; Hereditary neoplastic syndrome; Hereditary Cancer Syndrome; Tumor predisposition. Identifiers: Orphanet 140162, MedGen C0027672, MeSH D009386, MONDO:0015356.
Gastrointestinal stromal tumor. Also called: Gastrointestinal stromal tumor, somatic; Gastrointestinal stroma tumor. Identifiers: Orphanet 44890, MedGen C0238198, MeSH D046152, MONDO:0011719, OMIM 606764, HP:0100723.

Submissions (2):

Ambry Genetics
Classification: Uncertain significance for Hereditary cancer-predisposing syndrome. Last evaluated: 2025-03-08. Review status: criteria provided, single submitter. Criteria: Ambry Variant Classification Scheme 2023. Collection method: clinical testing. Allele origin: germline.
Comment: The p.R224G variant (also known as c.670A>G), located in coding exon 4 of the KIT gene, results from an A to G substitution at nucleotide position 670. The arginine at codon 224 is replaced by glycine, an amino acid with dissimilar properties. This amino acid position is conserved. In addition, this alteration is predicted to be tolerated by in silico analysis. Based on the available evidence, the clinical significance of this variant remains unclear.

Labcorp Genetics (formerly Invitae), Labcorp
Classification: Uncertain significance for Gastrointestinal stromal tumor. Last evaluated: 2022-09-27. Review status: criteria provided, single submitter. Criteria: Invitae Variant Classification Sherloc (09022015). Collection method: clinical testing. Allele origin: germline.
Comment: In summary, the available evidence is currently insufficient to determine the role of this variant in disease. Therefore, it has been classified as a Variant of Uncertain Significance. Algorithms developed to predict the effect of missense changes on protein structure and function are either unavailable or do not agree on the potential impact of this missense change (SIFT: "Deleterious"; PolyPhen-2: "Benign"; Align-GVGD: "Class C0"). This variant has not been reported in the literature in individuals affected with KIT-related conditions. This variant is not present in population databases (gnomAD no frequency). This sequence change replaces arginine, which is basic and polar, with glycine, which is neutral and non-polar, at codon 224 of the KIT protein (p.Arg224Gly).

NM_000222.3(KIT):c.670A>G (p.Arg224Gly)

Gene: KIT (KIT proto-oncogene, receptor tyrosine kinase; plus strand). Cytogenetic location: 4q12.
Variant type: single nucleotide variant.
Coding change: c.670A>G on transcript NM_000222.3 (MANE Select); coding-DNA position 670, A replaced by G.
Protein change: p.Arg224Gly; replaces arginine 224 with glycine.
Molecular consequence: missense variant.
Genome position (GRCh38, 1-based): chr4:54,699,680, A>G. VCF-style: chr4-54699680-A-G. GRCh37 (hg19) VCF-style: chr4-55565846-A-G.
Other names: c.670A>G, p.Arg224Gly (NM_001385292.1, NM_001093772.2, NM_001385284.1 and 4 more transcripts); short protein forms R224G.
Identifiers: ClinVar variation 1941197 (VCV001941197.6), dbSNP rs2475456842, ClinGen allele CA356898265.